The following is an entry in ClinVar:

NM_130466.4(UBE3B):c.1736T>C (p.Ile579Thr)

Gene: UBE3B (ubiquitin protein ligase E3B; plus strand). Cytogenetic location: 12q24.11.
Variant type: single nucleotide variant.
Coding change: c.1736T>C on transcript NM_130466.4 (MANE Select); coding-DNA position 1736, T replaced by C.
Protein change: p.Ile579Thr; replaces isoleucine 579 with threonine.
Molecular consequence: missense variant.
Genome position (GRCh38, 1-based): chr12:109,509,709, T>C. VCF-style: chr12-109509709-T-C. GRCh37 (hg19) VCF-style: chr12-109947514-T-C.
Other names: c.1736T>C, p.Ile579Thr (NM_183415.3); short protein forms I579T.
Identifiers: ClinVar variation 2745719 (VCV002745719.3), dbSNP rs137958276, ClinGen allele CA243438339.

ClinVar aggregate classification (germline): Uncertain significance (1 of 4 stars; one submission).

Allele frequency attached by ClinVar (database versions not stated): gnomAD exomes below 0.00001; gnomAD 0.00001; TOPMed 0.00001; ESP Exome Variant Server 0.00008.
gnomAD v4.1: 4 of 1,601,308 alleles (0.00025%); highest among the groups gnomAD compares: African/African-American, 0.0013%; no homozygotes.

Submission:

Labcorp Genetics (formerly Invitae), Labcorp
Classification: Uncertain significance. Last evaluated: 2023-09-04. Review status: criteria provided, single submitter. Criteria: Invitae Variant Classification Sherloc (09022015). Collection method: clinical testing. Allele origin: germline.
Comment: This variant has not been reported in the literature in individuals affected with UBE3B-related conditions. This sequence change replaces isoleucine, which is neutral and non-polar, with threonine, which is neutral and polar, at codon 579 of the UBE3B protein (p.Ile579Thr). This variant is not present in population databases (gnomAD no frequency). Advanced modeling of protein sequence and biophysical properties (such as structural, functional, and spatial information, amino acid conservation, physicochemical variation, residue mobility, and thermodynamic stability) performed at Invitae indicates that this missense variant is not expected to disrupt UBE3B protein function. In summary, the available evidence is currently insufficient to determine the role of this variant in disease. Therefore, it has been classified as a Variant of Uncertain Significance.